The following is an entry in ClinVar:

ClinVar aggregate classification (germline): Uncertain significance (1 of 4 stars; one submission).

Conditions:
Werner syndrome (WRN). Identifiers: Orphanet 902, MedGen C0043119, MONDO:0010196, OMIM 277700.

Allele frequency attached by ClinVar (database versions not stated): gnomAD exomes below 0.00001.
gnomAD v4.1: 1 of 1,613,722 alleles (0.000062%); highest among the groups gnomAD compares: Non-Finnish European, 0.000085%; no homozygotes.

Submission:

Labcorp Genetics (formerly Invitae), Labcorp
Classification: Uncertain significance for Werner syndrome. Last evaluated: 2023-10-10. Review status: criteria provided, single submitter. Criteria: Invitae Variant Classification Sherloc (09022015). Collection method: clinical testing. Allele origin: germline.
Comment: This sequence change replaces threonine, which is neutral and polar, with isoleucine, which is neutral and non-polar, at codon 692 of the WRN protein (p.Thr692Ile). This variant is not present in population databases (gnomAD no frequency). This variant has not been reported in the literature in individuals affected with WRN-related conditions. An algorithm developed to predict the effect of missense changes on protein structure and function (PolyPhen-2) suggests that this variant is likely to be tolerated. In summary, the available evidence is currently insufficient to determine the role of this variant in disease. Therefore, it has been classified as a Variant of Uncertain Significance.

NM_000553.6(WRN):c.2075C>T (p.Thr692Ile)

Gene: WRN (WRN RecQ like helicase; plus strand). Cytogenetic location: 8p12.
Variant type: single nucleotide variant.
Coding change: c.2075C>T on transcript NM_000553.6 (MANE Select); coding-DNA position 2075, C replaced by T.
Protein change: p.Thr692Ile; replaces threonine 692 with isoleucine.
Molecular consequence: missense variant.
Genome position (GRCh38, 1-based): chr8:31,100,942, C>T. VCF-style: chr8-31100942-C-T. GRCh37 (hg19) VCF-style: chr8-30958458-C-T.
Other names: short protein forms T692I.
Identifiers: ClinVar variation 2767374 (VCV002767374.3), dbSNP rs2535951070, ClinGen allele CA370908966.